The following is an entry in ClinVar:

ClinVar aggregate classification (germline): Pathogenic (1 of 4 stars; one submission).

Submission:

Clinical Genomics Laboratory, Laboratory for Precision Diagnostics, University of Washington
Classification: Pathogenic. Last evaluated: 2019-11-26. Review status: criteria provided, single submitter. Criteria: Clinical Cytogenomics Laboratory Policy on CNV Interpretation. Collection method: clinical testing. Allele origin: unknown. Affected: yes. Observed: 1 variant allele.

Literature cited by the submitters: PubMed 30134084; PubMed 27409573; PubMed 23258348.

GRCh37/hg19 17q12(chr17:34815551-36244358)x3

Genes: ACACA (acetyl-CoA carboxylase alpha; minus strand), C17orf78 (chromosome 17 open reading frame 78; plus strand), AATF (apoptosis antagonizing transcription factor; plus strand), DDX52 (DExD-box helicase 52; minus strand), DHRS11 (dehydrogenase/reductase 11; plus strand) and 10 more. Cytogenetic location: 17q12.
Variant type: copy number gain.
Change: copy number 3 (three copies instead of two) of chr17:34,815,551-36,244,358 (1.43 Mb, GRCh37 coordinates, 1-based), cytogenetic band 17q12.
Identifiers: ClinVar variation 929346 (VCV000929346.2).